The following is an entry in ClinVar:

NM_001009944.3(PKD1):c.12387G>A (p.Met4129Ile)

Gene: PKD1 (polycystin 1, transient receptor potential channel interacting; minus strand). Cytogenetic location: 16p13.3.
Variant type: single nucleotide variant.
Coding change: c.12387G>A on transcript NM_001009944.3 (MANE Select); coding-DNA position 12387, G replaced by A.
Protein change: p.Met4129Ile; replaces methionine 4129 with isoleucine.
Molecular consequence: missense variant.
Genome position (GRCh38, 1-based): chr16:2,090,342, C>T on the plus strand (G>A on the coding strand, the complement: PKD1 is on the minus strand). VCF-style: chr16-2090342-C-T. GRCh37 (hg19) VCF-style: chr16-2140343-C-T.
Other names: c.12384G>A, p.Met4128Ile (NM_000296.4); short protein forms M4128I, M4129I.
Identifiers: ClinVar variation 1806651 (VCV001806651.2), dbSNP rs750629950, ClinGen allele CA394324876.

ClinVar aggregate classification (germline): Uncertain significance. Review status: criteria provided, multiple submitters, no conflicts (2 of 4 stars). 2 submissions from 2 submitters: Uncertain significance (2). Last evaluated 2024-05-10.

Conditions:
Polycystic kidney disease, adult type (PKD1). Also called: POLYCYSTIC KIDNEY DISEASE, ADULT, TYPE I; Polycystic Kidney, Autosomal Dominant; Polycystic Kidney Disease 1, Autosomal Dominant; Polycystic kidney disease 1; Polycystic kidney disease 1, severe; POLYCYSTIC KIDNEY DISEASE 1 WITH OR WITHOUT POLYCYSTIC LIVER DISEASE. Identifiers: MedGen C3149841, MONDO:0008263, OMIM 173900.

Allele frequency attached by ClinVar (database versions not stated): gnomAD 0.00001.
gnomAD v4.1: 5 of 1,612,302 alleles (0.00031%); highest among the groups gnomAD compares: African/African-American, 0.0027%; 1 homozygote.

Submissions (2):

Fulgent Genetics
Classification: Uncertain significance for Polycystic kidney disease, adult type. Last evaluated: 2024-05-10. Review status: criteria provided, single submitter. Criteria: ACMG Guidelines, 2015. Collection method: clinical testing. Allele origin: germline.

GeneDx
Classification: Uncertain significance. Last evaluated: 2022-06-22. Review status: criteria provided, single submitter. Criteria: GeneDx Variant Classification Process June 2021. Collection method: clinical testing. Allele origin: germline. Affected: yes.
Comment: Not observed at significant frequency in large population cohorts (gnomAD); In silico analysis supports that this missense variant does not alter protein structure/function; Has not been previously published as pathogenic or benign to our knowledge